The following is an entry in ClinVar:

NM_017672.6(TRPM7):c.920G>T (p.Ser307Ile)

Gene: TRPM7 (transient receptor potential cation channel subfamily M member 7; minus strand). Cytogenetic location: 15q21.2.
Variant type: single nucleotide variant.
Coding change: c.920G>T on transcript NM_017672.6 (MANE Select); coding-DNA position 920, G replaced by T.
Protein change: p.Ser307Ile; replaces serine 307 with isoleucine.
Molecular consequence: missense variant. On other transcripts: non-coding transcript variant (3).
Genome position (GRCh38, 1-based): chr15:50,634,469, C>A on the plus strand (G>T on the coding strand, the complement: TRPM7 is on the minus strand). VCF-style: chr15-50634469-C-A. GRCh37 (hg19) VCF-style: chr15-50926666-C-A.
Other names: c.920G>T, p.Ser307Ile (NM_001301212.2); short protein forms S307I.
Identifiers: ClinVar variation 4537209 (VCV004537209.1).
Genomic context (GRCh38, chr15:50,634,469, plus strand): 5'-TACGCTAGCAGATCTGCAGCTCTGCCTGTTCCTTCACACACAACTACTGGAACAGGGGGG[C>A]TTTCCTGAAGGTATTCAAGAACTGTGAGGATAACATTTGGCCCACCCTCAAATATAAGTG-3'
Protein context (NP_060142.3, residues 297-317): ILTVLEYLQE[Ser307Ile]PPVPVVVCEG

ClinVar aggregate classification (germline): Uncertain significance (1 of 4 stars; one submission).

gnomAD v4.1: 1 of 1,584,730 alleles (0.000063%); highest among the groups gnomAD compares: Admixed American, 0.0018%; no homozygotes.

Submission:

Women's Health and Genetics/Laboratory Corporation of America, LabCorp
Classification: Uncertain significance. Last evaluated: 2025-11-25. Review status: criteria provided, single submitter. Criteria: LabCorp Variant Classification Summary - May 2015. Collection method: clinical testing. Allele origin: germline.
Comment: Variant summary: TRPM7 c.920G>T (p.Ser307Ile) results in a non-conservative amino acid change in the encoded protein sequence. Algorithms developed to predict the effect of missense changes on protein structure and function are either unavailable or do not agree on the potential impact of this missense change. The variant was absent in 221830 control chromosomes. The available data on variant occurrences in the general population are insufficient to allow any conclusion about variant significance. To our knowledge, no occurrence of c.920G>T in individuals affected with TRPM7-related conditions and no experimental evidence demonstrating its impact on protein function have been reported. No submitters have cited clinical-significance assessments for this variant to ClinVar. Based on the evidence outlined above, the variant was classified as uncertain significance.